The following is an entry in ClinVar:

NM_144585.4(SLC22A12):c.767G>A (p.Arg256Gln)

Gene: SLC22A12 (solute carrier family 22 member 12; plus strand). Cytogenetic location: 11q13.1.
Variant type: single nucleotide variant.
Coding change: c.767G>A on transcript NM_144585.4 (MANE Select); coding-DNA position 767, G replaced by A.
Protein change: p.Arg256Gln; replaces arginine 256 with glutamine.
Molecular consequence: missense variant. On other transcripts: intron variant (1).
Genome position (GRCh38, 1-based): chr11:64,593,740, G>A. VCF-style: chr11-64593740-G-A. GRCh37 (hg19) VCF-style: chr11-64361212-G-A.
Other names: c.665G>A, p.Arg222Gln (NM_001276326.2); c.104G>A, p.Arg35Gln (NM_153378.3); c.506+858G>A (NM_001276327.2); short protein forms R222Q, R256Q, R35Q.
Identifiers: ClinVar variation 3611418 (VCV003611418.1).
Genomic context (GRCh38, chr11:64,593,740, plus strand): 5'-TGAACTCTCTGGGCTTCAGCTTCGGCCATGGCCTGACAGCTGCAGTGGCCTACGGTGTGC[G>A]GGACTGGACACTGCTGCAGCTGGTGGTCTCGGTCCCCTTCTTCCTCTGCTTTTTGTACTC-3'
Protein context (NP_653186.2, residues 246-266): GLTAAVAYGV[Arg256Gln]DWTLLQLVVS

ClinVar aggregate classification (germline): Uncertain significance (1 of 4 stars; one submission).

gnomAD v4.1: 26 of 1,613,412 alleles (0.0016%); highest among the groups gnomAD compares: Admixed American, 0.017%; no homozygotes.

Submission:

Labcorp Genetics (formerly Invitae), Labcorp
Classification: Uncertain significance. Last evaluated: 2024-09-29. Review status: criteria provided, single submitter. Criteria: Invitae Variant Classification Sherloc (09022015). Collection method: clinical testing. Allele origin: germline.
Comment: This sequence change replaces arginine, which is basic and polar, with glutamine, which is neutral and polar, at codon 256 of the SLC22A12 protein (p.Arg256Gln). This variant is present in population databases (rs771298905, gnomAD 0.02%). This variant has not been reported in the literature in individuals affected with SLC22A12-related conditions. An algorithm developed to predict the effect of missense changes on protein structure and function (PolyPhen-2) suggests that this variant¬†is likely to be tolerated. In summary, the available evidence is currently insufficient to determine the role of this variant in disease. Therefore, it has been classified as a Variant of Uncertain Significance.